The following is an entry in ClinVar:

ClinVar aggregate classification (germline): Pathogenic (1 of 4 stars; one submission).

Conditions:
Hereditary spastic paraplegia 7 (SPG7). Also called: Autosomal recessive spastic paraplegia type 7; SPG7-related neurologic disorder; SPASTIC PARAPLEGIA 7, AUTOSOMAL RECESSIVE, WITH OR WITHOUT CEREBELLAR ATAXIA; Spastic paraplegia 7; Hereditary spastic paraplegia Paraplegin type. Identifiers: Orphanet 99013, MedGen C1846564, MONDO:0011803, OMIM 607259.

Submission:

Labcorp Genetics (formerly Invitae), Labcorp
Classification: Pathogenic for Hereditary spastic paraplegia 7. Last evaluated: 2021-09-29. Review status: criteria provided, single submitter. Criteria: Invitae Variant Classification Sherloc (09022015). Collection method: clinical testing. Allele origin: germline.
Comment: This variant is not present in population databases (ExAC no frequency). For these reasons, this variant has been classified as Pathogenic. Algorithms developed to predict the effect of sequence changes on RNA splicing suggest that this variant may disrupt the consensus splice site. This variant has not been reported in the literature in individuals affected with SPG7-related conditions. This sequence change creates a premature translational stop signal (p.Phe287Leufs*42) in the SPG7 gene. It is expected to result in an absent or disrupted protein product. Loss-of-function variants in SPG7 are known to be pathogenic (PMID: 21623769, 22964162).

Literature cited by the submitters: PubMed 21623769; PubMed 22964162.

NM_003119.4(SPG7):c.861del (p.Phe287fs)

Gene: SPG7 (SPG7 matrix AAA peptidase subunit, paraplegin; plus strand). Cytogenetic location: 16q24.3.
Variant type: Deletion.
Coding change: c.861del on transcript NM_003119.4 (MANE Select); coding-DNA position 861, one base deleted (T; older notation c.861delT).
Protein change: p.Phe287fs; shifts the reading frame from phenylalanine 287.
Molecular consequence: frameshift variant.
Genome position (GRCh38, 1-based): chr16:89,529,579, T deleted; the last of 4 consecutive T bases (chr16:89,529,576-89,529,579); deleting any one gives the same sequence. VCF-style (leftmost placement, unchanged base first): chr16-89529575-CT-C. GRCh37 (hg19) VCF-style: chr16-89595983-CT-C.
Other names: c.861del, p.Phe287fs (NM_001363850.1, NM_199367.3); short protein forms F287fs.
Identifiers: ClinVar variation 1417486 (VCV001417486.6), dbSNP rs797046003, ClinGen allele CA2573152864.